The following is an entry in ClinVar:

ClinVar aggregate classification (germline): Uncertain significance (1 of 4 stars; one submission).

Conditions:
ANKRD1-related dilated cardiomyopathy. Identifiers: MedGen CN119551.

Allele frequency attached by ClinVar (database versions not stated): gnomAD exomes below 0.00001; TOPMed below 0.00001; gnomAD 0.00001.

Submission:

Labcorp Genetics (formerly Invitae), Labcorp
Classification: Uncertain significance for ANKRD1-related dilated cardiomyopathy. Last evaluated: 2020-04-15. Review status: criteria provided, single submitter. Criteria: Invitae Variant Classification Sherloc (09022015). Collection method: clinical testing. Allele origin: germline.
Comment: In summary, the available evidence is currently insufficient to determine the role of this variant in disease. Therefore, it has been classified as a Variant of Uncertain Significance. Algorithms developed to predict the effect of missense changes on protein structure and function (SIFT, PolyPhen-2, Align-GVGD) all suggest that this variant is likely to be tolerated, but these predictions have not been confirmed by published functional studies and their clinical significance is uncertain. This variant has not been reported in the literature in individuals with ANKRD1-related conditions. This variant is not present in population databases (ExAC no frequency). This sequence change replaces glutamic acid with lysine at codon 19 of the ANKRD1 protein (p.Glu19Lys). The glutamic acid residue is weakly conserved and there is a small physicochemical difference between glutamic acid and lysine.

NM_014391.3(ANKRD1):c.55G>A (p.Glu19Lys)

Gene: ANKRD1 (ankyrin repeat domain 1; minus strand). Cytogenetic location: 10q23.31.
Variant type: single nucleotide variant.
Coding change: c.55G>A on transcript NM_014391.3 (MANE Select); coding-DNA position 55, G replaced by A.
Protein change: p.Glu19Lys; replaces glutamic acid 19 with lysine.
Molecular consequence: missense variant.
Genome position (GRCh38, 1-based): chr10:90,920,321, C>T on the plus strand (G>A on the coding strand, the complement: ANKRD1 is on the minus strand). VCF-style: chr10-90920321-C-T. GRCh37 (hg19) VCF-style: chr10-92680078-C-T.
Other names: short protein forms E19K.
Identifiers: ClinVar variation 1009208 (VCV001009208.8), dbSNP rs886047480, ClinGen allele CA377554130.